The following is an entry in ClinVar:

ClinVar aggregate classification (germline): Pathogenic (1 of 4 stars; one submission).

Submission:

Labcorp Genetics (formerly Invitae), Labcorp
Classification: Pathogenic. Last evaluated: 2022-07-01. Review status: criteria provided, single submitter. Criteria: Invitae Variant Classification Sherloc (09022015). Collection method: clinical testing. Allele origin: germline.
Comment: For these reasons, this variant has been classified as Pathogenic. This variant has not been reported in the literature in individuals affected with TGM1-related conditions. This variant is not present in population databases (gnomAD no frequency). This sequence change creates a premature translational stop signal (p.Thr279Profs*51) in the TGM1 gene. It is expected to result in an absent or disrupted protein product. Loss-of-function variants in TGM1 are known to be pathogenic (PMID: 18948357, 19241467).

Literature cited by the submitters: PubMed 18948357; PubMed 19241467.

NM_000359.3(TGM1):c.834del (p.Thr279fs)

Gene: TGM1 (transglutaminase 1; minus strand). Cytogenetic location: 14q12.
Variant type: Deletion.
Coding change: c.834del on transcript NM_000359.3 (MANE Select); coding-DNA position 834, one base deleted (G; older notation c.834delG).
Protein change: p.Thr279fs; shifts the reading frame from threonine 279.
Molecular consequence: frameshift variant.
Genome position (GRCh38, 1-based): chr14:24,259,982, C deleted on the plus strand (G on the coding strand, the reverse complement: TGM1 is on the minus strand); the first of 3 consecutive C bases (chr14:24,259,982-24,259,984); deleting any one gives the same sequence. VCF-style (leftmost placement, unchanged base first): chr14-24259981-TC-T. GRCh37 (hg19) VCF-style: chr14-24729187-TC-T.
Other names: short protein forms T279fs.
Identifiers: ClinVar variation 2010483 (VCV002010483.4), dbSNP rs2502504115, ClinGen allele CA2580087983.